The following is an entry in ClinVar:

ClinVar aggregate classification (germline): Uncertain significance (1 of 4 stars; one submission).

gnomAD v4.1: 1 of 1,612,798 alleles (0.000062%); highest among the groups gnomAD compares: Non-Finnish European, 0.000085%; no homozygotes.

Submission:

GeneDx
Classification: Uncertain significance. Last evaluated: 2015-12-21. Review status: criteria provided, single submitter. Criteria: GeneDx Variant Classification (06012015). Collection method: clinical testing. Allele origin: germline. Affected: yes.
Comment: The Q401X variant in the PIGS gene has not been reported previously as a pathogenic variant nor asa benign variant, to our knowledge. This variant is predicted to cause loss of normal protein functioneither through protein truncation or nonsense-mediated mRNA decay. No data from controlpopulations were available to assess the frequency of this variant. We interpret Q401X as a variant of uncertain significance.

NM_033198.4(PIGS):c.1201C>T (p.Gln401Ter)

Gene: PIGS (phosphatidylinositol glycan anchor biosynthesis class S; minus strand). Cytogenetic location: 17q11.2.
Variant type: single nucleotide variant.
Coding change: c.1201C>T on transcript NM_033198.4 (MANE Select); coding-DNA position 1201, C replaced by T.
Protein change: p.Gln401Ter; replaces glutamine 401 with a stop codon.
Molecular consequence: nonsense.
Genome position (GRCh38, 1-based): chr17:28,555,042, G>A on the plus strand (C>T on the coding strand, the complement: PIGS is on the minus strand). VCF-style: chr17-28555042-G-A. GRCh37 (hg19) VCF-style: chr17-26882060-G-A.
Other names: short protein forms Q401*.
Identifiers: ClinVar variation 488852 (VCV000488852.1), dbSNP rs1555534331, ClinGen allele CA398342471.